The following is an entry in ClinVar:

NM_000179.3(MSH6):c.3259C>T (p.Pro1087Ser)

Gene: MSH6 (mutS homolog 6; plus strand). Cytogenetic location: 2p16.3.
Variant type: single nucleotide variant.
Coding change: c.3259C>T on transcript NM_000179.3 (MANE Select); coding-DNA position 3259, C replaced by T.
Protein change: p.Pro1087Ser; replaces proline 1087 with serine.
Molecular consequence: missense variant.
Genome position (GRCh38, 1-based): chr2:47,803,506, C>T. VCF-style: chr2-47803506-C-T. GRCh37 (hg19) VCF-style: chr2-48030645-C-T.
Other names: p.P1087S:CCC>TCC; c.2869C>T, p.Pro957Ser (NM_001281492.2); c.2353C>T, p.Pro785Ser (NM_001281493.2, NM_001281494.2); short protein forms P1087S, P785S, P957S.
Identifiers: ClinVar variation 89360 (VCV000089360.69), dbSNP rs63750998, ClinGen allele CA012243.

ClinVar aggregate classification (germline): Conflicting classifications of pathogenicity. Review status: criteria provided, conflicting classifications (1 of 4 stars). 22 submissions from 22 submitters: Uncertain significance (8); Benign (1); Likely benign (9). 4 of the submissions do not count toward it. Last evaluated 2026-01-28.

Conditions:
MSH6-related disorder. Also called: MSH6-related condition; MSH6-Related disorders.
Hereditary nonpolyposis colorectal neoplasms. Identifiers: MedGen C0009405, MeSH D003123.
Hereditary cancer-predisposing syndrome. Also called: Hereditary Cancer Syndrome; Tumor predisposition; Neoplastic Syndromes, Hereditary; Hereditary neoplastic syndrome. Identifiers: Orphanet 140162, MedGen C0027672, MeSH D009386, MONDO:0015356.
Ovarian cancer. Also called: OVARIAN CANCER, SOMATIC. Identifiers: Orphanet 213500, MedGen C1140680, MONDO:0008170, OMIM 167000.
Mismatch repair cancer syndrome 1 (MMRCS1). Also called: BRAIN TUMOR-POLYPOSIS SYNDROME 1; BTP1 SYNDROME; CHILDHOOD CANCER SYNDROME; MISMATCH REPAIR DEFICIENCY; MMR DEFICIENCY. Identifiers: Orphanet 252202, MedGen C5399763, MONDO:0010159, OMIM 276300. Disease mechanism: loss of function.
Lynch syndrome 5 (LYNCH5). Also called: Hereditary non-polyposis colorectal cancer, type 5; Colorectal cancer, hereditary nonpolyposis, type 5. Identifiers: Orphanet 144, MedGen C1833477, MONDO:0013710, OMIM 614350. Disease mechanism: loss of function.
Endometrial carcinoma. Also called: Endometrial carcinoma, somatic. Identifiers: MedGen C0476089, MONDO:0002447, OMIM 608089, HP:0012114.
Lynch syndrome. Identifiers: Orphanet 144, MedGen C4552100, MONDO:0005835. Disease mechanism: loss of function.
Breast carcinoma. Also called: Carcinoma of breast. Identifiers: MedGen C0678222, MONDO:0004989, HP:0003002.

Allele frequency attached by ClinVar (database versions not stated): TOPMed 0.00015; ESP Exome Variant Server 0.00031.
gnomAD v4.1: 336 of 1,614,002 alleles (0.021%); highest among the groups gnomAD compares: Non-Finnish European, 0.028%; no homozygotes.

Submissions 1 to 12 of 22:

Labcorp Genetics (formerly Invitae), Labcorp
Classification: Likely benign for Hereditary nonpolyposis colorectal neoplasms. Last evaluated: 2026-01-28. Review status: criteria provided, single submitter. Criteria: Invitae Variant Classification Sherloc (09022015). Collection method: clinical testing. Allele origin: germline.

Quest Diagnostics Nichols Institute San Juan Capistrano
Classification: Uncertain significance. Last evaluated: 2025-09-03. Review status: criteria provided, single submitter. Criteria: Quest Diagnostics criteria. Collection method: clinical testing. Allele origin: unknown.
Comment: The MSH6 c.3259C>T (p.Pro1087Ser) variant has been reported in individuals with colorectal cancer and/or Lynch syndrome (PMID: 28466842 (2017), 22495361 (2012), 16408224 (2006), 15782118 (2005), 11470537 (2001)), but in at least two individuals the affected tumors were microsatellite stable with normal MSH6 expression in immunohistochemical staining (PMID: 22495361 (2012), 16408224 (2006)). This variant has also been reported in individuals with breast cancer (PMID: 35449176 (2022), 32547938 (2020), 31882575 (2019), 33471991 (2021), see LOVD), ovarian cancer (PMID: 23047549 (2012)), pancreatic cancer (PMID: 26483394 (2015)), as well as in reportedly unaffected individuals (PMID: 36243179 (2022), 33471991 (2021), 28466842 (2017)). An experimental study indicates this variant has 89% of wild-type level of DNA mismatch repair activity in vitro (PMID: 22102614 (2012)). The frequency of this variant in the general population (Genome Aggregation Database) is higher than would generally be expected for pathogenic variants in this gene. Analysis of this variant using bioinformatics tools for the prediction of the effect of amino acid changes on protein structure and function yielded predictions that this variant is damaging. Based on the available information, we are unable to determine the clinical significance of this variant.

St. Jude Molecular Pathology, St. Jude Children's Research Hospital
Classification: Likely benign for Lynch syndrome 5. Last evaluated: 2025-08-25. Review status: criteria provided, single submitter. Criteria: St. Jude Assertion Criteria 2020. Collection method: clinical testing. Allele origin: germline.
Comment: The MSH6 c.3259C>T p.(Pro1087Ser) missense change has a maximum subpopulation frequency of 0.024% in gnomAD v2.1.1. In silico tools predict a benign effect of this variant on protein function and functional studies suggest that this variant does not substantially impact mismatch repair efficiency (PMID: 22102614). This variant has been reported in individuals with colorectal, ovarian, and pancreatic cancer (PMID: 16636019, 23047549, 26483394). In summary, this variant meets criteria to be classified as likely benign.

CeGaT Center for Human Genetics Tuebingen
Classification: Likely benign. Last evaluated: 2025-06-01. Review status: criteria provided, single submitter. Criteria: CeGaT Center For Human Genetics Tuebingen Variant Classification Criteria Version 2. Collection method: clinical testing. Allele origin: germline. Affected: yes. Observed: 1 variant allele.
Comment: MSH6: BP1, BS3:Supporting, BS2

Center for Genomic Medicine, Rigshospitalet, Copenhagen University Hospital
Classification: Likely benign. Last evaluated: 2025-03-04. Review status: criteria provided, single submitter. Criteria: ACMG Guidelines, 2015. Collection method: clinical testing. Allele origin: germline.
Comment: Classification criteria: BS1, BP4

Women's Health and Genetics/Laboratory Corporation of America, LabCorp
Classification: Likely benign. Last evaluated: 2025-02-04. Review status: criteria provided, single submitter. Criteria: LabCorp Variant Classification Summary - May 2015. Collection method: clinical testing. Allele origin: germline.
Comment: Variant summary: MSH6 c.3259C>T (p.Pro1087Ser) results in a non-conservative amino acid change located in the DNA mismatch repair protein MutS, core domain (IPR007696) of the encoded protein sequence. Three of five in-silico tools predict a damaging effect of the variant on protein function. The variant allele was found at a frequency of 0.0081 in 776290 control chromosomes, predominantly at a frequency of 0.00024 within the Non-Finnish European subpopulation in the gnomAD database. The observed variant frequency within Non-Finnish European control individuals in the gnomAD database is approximately 2-fold of the estimated maximal expected allele frequency for a pathogenic variant in MSH6 causing Hereditary Nonpolyposis Colorectal Cancer phenotype (0.00014). c.3259C>T has been reported in the literature in individuals affected with colorectal carcinoma (Ohmiya 2001, Domingo 2005, Niessen 2006, Okkels 2012), ovarian cancer (Pal 2012), pancreatic ductal adenocarcinoma (Hu 2016), breast cancer (Hu_2022) and bilary tract cancer (Okawa_2023). These reports do not provide unequivocal conclusions about association of the variant with Hereditary Nonpolyposis Colorectal Cancer/Lynch syndrome. Moreover, in 3 of the reported colorectal cancer cases, tumor immunohistochemistry was normal, and in 2 of these cases microsatellite instability (MSI) was reported to be low. One publication assessing associated cancer risks of several variants in the Icelandic population, suggests that the variant is benign based on the population frequency and the low odds ratio for colorectal cancer (Haraldsdottir 2017). Furthermore, in this study, this variant was observed among 2 patients with promoter hypermethylation of MLH1 and 1 patient with absent MLH1/PMS2 on tumor IHC, suggestive of sporadic (MLH1 hypermethylation) or an alternate molecular basis of disease. At least one publication reported experimental evidence demonstrating that the variant results in an in vitro mismatch repair assay repair efficiency of 88% compared to the wild type, suggesting no damaging effect for this variant (Drost_2011). The following publications have been ascertained in the context of this evaluation (PMID: 15782118, 22102614, 28466842, 26483394, 35449176, 16408224, 11470537, 22495361, 23047549, 23621914, 36243179). ClinVar contains an entry for this variant (Variation ID: 89360). Based on the evidence outlined above, the variant was classified as likely benign.

Myriad Genetics, Inc.
Classification: Likely benign for Lynch syndrome 5. Last evaluated: 2025-01-06. Review status: criteria provided, single submitter. Criteria: Myriad Autosomal Dominant, Autosomal Recessive and X-Linked Classification Criteria (2023). Collection method: clinical testing. Allele origin: unknown.
Comment: This variant is considered likely benign. This variant is strongly associated with less severe personal and family histories of cancer, typical for individuals without pathogenic variants in this gene [PMID: 27363726].

Blueprint Genetics
Classification: Uncertain significance. Last evaluated: 2024-10-18. Review status: criteria provided, single submitter. Criteria: ACMG Guidelines, 2015. Collection method: clinical testing. Allele origin: germline.

Department of Pathology and Laboratory Medicine, Sinai Health System
Classification: Likely benign for Lynch syndrome. Last evaluated: 2024-06-19. Review status: criteria provided, single submitter. Criteria: ACMG Guidelines, 2015. Collection method: clinical testing. Allele origin: germline. Affected: yes.

GeneDx
Classification: Uncertain significance. Last evaluated: 2023-01-03. Review status: criteria provided, single submitter. Criteria: GeneDx Variant Classification Process June 2021. Collection method: clinical testing. Allele origin: germline. Affected: yes.
Comment: In silico analysis supports that this missense variant has a deleterious effect on protein structure/function; Observed in individuals with ovarian, colorectal, or breast cancer with some tumors displaying low microsatellite instability (Ohmiya et al., 2001; Domingo et al., 2005; Niessen et al., 2006; Okkels et al., 2012; Pal et al., 2012; Jarhelle et al., 2019; Nikitin et al., 2020); Published functional studies suggest no damaging effect: demonstrated 88% mismatch repair efficiency (Drost et al., 2012); This variant is associated with the following publications: (PMID: 15782118, 22495361, 23047549, 26206375, 32547938, 11470537, 16408224, 25637381, 23621914, 26333163, 31391288, 31882575, 17531815, 21120944, 22102614)

Color Diagnostics, LLC DBA Color Health
Classification: Benign for Hereditary cancer-predisposing syndrome. Last evaluated: 2022-01-02. Review status: criteria provided, single submitter. Criteria: ACMG Guidelines, 2015. Collection method: clinical testing. Allele origin: germline.

Sema4
Classification: Likely benign for Hereditary cancer-predisposing syndrome. Last evaluated: 2021-11-15. Review status: criteria provided, single submitter. Criteria: Sema4 Curation Guidelines. Collection method: curation. Allele origin: germline.